The following is an entry in ClinVar:

ClinVar aggregate classification (germline): Pathogenic/Likely pathogenic. Review status: criteria provided, multiple submitters, no conflicts (2 of 4 stars). 2 submissions from 2 submitters: Pathogenic (1); Likely pathogenic (1). Last evaluated 2022-05-04.

Conditions:
Early-infantile DEE. Also called: Early infantile epileptic encephalopathy; Early infantile epileptic encephalopathy with suppression bursts; Ohtahara syndrome. Identifiers: Orphanet 1934, MedGen C0393706, MONDO:0800491.
Generalized epilepsy with febrile seizures plus, type 2 (GEFSP2). Also called: GEFS+, TYPE 2. Identifiers: Orphanet 36387, MedGen C1858673, MONDO:0011461, OMIM 604403.

Submissions (2):

Mendelics
Classification: Pathogenic for Generalized epilepsy with febrile seizures plus, type 2. Last evaluated: 2022-05-04. Review status: criteria provided, single submitter. Criteria: Mendelics Assertion Criteria 2019. Collection method: clinical testing. Allele origin: germline.

Labcorp Genetics (formerly Invitae), Labcorp
Classification: Likely pathogenic for Early-infantile DEE. Last evaluated: 2020-10-05. Review status: criteria provided, single submitter. Criteria: Invitae Variant Classification Sherloc (09022015). Collection method: clinical testing. Allele origin: germline.
Comment: Advanced modeling of protein sequence and biophysical properties (such as structural, functional, and spatial information, amino acid conservation, physicochemical variation, residue mobility, and thermodynamic stability) performed at Invitae indicates that this missense variant is expected to disrupt SCN1A protein function. This variant disrupts the p.Gln1923 amino acid residue in SCN1A. Other variant(s) that disrupt this residue have been determined to be pathogenic (Invitae). This suggests that this residue is clinically significant, and that variants that disrupt this residue are likely to be disease-causing. In summary, the currently available evidence indicates that the variant is pathogenic, but additional data are needed to prove that conclusively. Therefore, this variant has been classified as Likely Pathogenic. This sequence change replaces glutamine with histidine at codon 1923 of the SCN1A protein (p.Gln1923His). The glutamine residue is highly conserved and there is a small physicochemical difference between glutamine and histidine. This variant is not present in population databases (ExAC no frequency). This variant has not been reported in the literature in individuals with SCN1A-related conditions.

NM_001165963.4(SCN1A):c.5769G>C (p.Gln1923His)

Genes: SCN1A (sodium voltage-gated channel alpha subunit 1; minus strand), LOC102724058 (uncharacterized LOC102724058; plus strand). Cytogenetic location: 2q24.3.
Variant type: single nucleotide variant.
Coding change: c.5769G>C on transcript NM_001165963.4 (MANE Select); coding-DNA position 5769, G replaced by C.
Protein change: p.Gln1923His; replaces glutamine 1923 with histidine.
Molecular consequence: missense variant. On other transcripts: non-coding transcript variant (1).
Genome position (GRCh38, 1-based): chr2:165,991,506, C>G on the plus strand (G>C on the coding strand, the complement: SCN1A is on the minus strand). VCF-style: chr2-165991506-C-G. GRCh37 (hg19) VCF-style: chr2-166848016-C-G.
Other names: c.5685G>C, p.Gln1895His (NM_001165964.3, NM_001353957.2, NM_001353958.2); c.5769G>C, p.Gln1923His (NM_001202435.3, NM_001353948.2); c.5736G>C, p.Gln1912His (NM_001353949.2, NM_001353950.2, NM_001353951.2 and 2 more transcripts); c.5733G>C, p.Gln1911His (NM_001353954.2, NM_001353955.2); c.5682G>C, p.Gln1894His (NM_001353960.2); c.3327G>C, p.Gln1109His (NM_001353961.2); short protein forms Q1109H, Q1894H, Q1895H, Q1911H, Q1912H, Q1923H.
Identifiers: ClinVar variation 1066894 (VCV001066894.11), dbSNP rs2105423415, ClinGen allele CA349064029.